The following is an entry in ClinVar:

NM_001148.6(ANK2):c.2849G>A (p.Gly950Asp)

Gene: ANK2 (ankyrin 2; plus strand). Cytogenetic location: 4q26.
Variant type: single nucleotide variant.
Coding change: c.2849G>A on transcript NM_001148.6 (MANE Select); coding-DNA position 2849, G replaced by A.
Protein change: p.Gly950Asp; replaces glycine 950 with aspartic acid.
Molecular consequence: missense variant.
Genome position (GRCh38, 1-based): chr4:113,318,569, G>A. VCF-style: chr4-113318569-G-A. GRCh37 (hg19) VCF-style: chr4-114239725-G-A.
Other names: c.2786G>A, p.Gly929Asp (NM_001127493.3, NM_001354255.2, NM_001354262.2 and 3 more transcripts); c.2798G>A, p.Gly933Asp (NM_001354254.2); c.2861G>A, p.Gly954Asp (NM_001354225.2); c.2849G>A, p.Gly950Asp (NM_001354228.2, NM_001354258.2, NM_001354232.2 and 1 more transcripts); c.2783G>A, p.Gly928Asp (NM_001354256.2, NM_001354239.2, NM_001354244.2 and 3 more transcripts); c.2891G>A, p.Gly964Asp (NM_001354230.2, NM_001354231.2, NM_001354237.2 and 1 more transcripts); c.2687G>A, p.Gly896Asp (NM_001354257.2, NM_001354270.2, NM_001354253.2 and 1 more transcripts); c.2663G>A, p.Gly888Asp (NM_001354260.2, NM_001354271.2, NM_001386151.1); and 17 more; short protein forms G879D, G888D, G896D, G928D, G949D, G159D, G855D, G916D.
Identifiers: ClinVar variation 665190 (VCV000665190.7), dbSNP rs1437372961, ClinGen allele CA357931675.

ClinVar aggregate classification (germline): Uncertain significance. Review status: criteria provided, multiple submitters, no conflicts (2 of 4 stars). 2 submissions from 2 submitters: Uncertain significance (2). Last evaluated 2024-02-12.

Conditions:
Cardiovascular phenotype. Identifiers: MedGen CN230736.
Long QT syndrome (LQTS). Identifiers: MedGen C0023976, MeSH D008133, MONDO:0002442. Disease mechanism: loss of function. Inheritance: Various modes of inheritance.

Allele frequency attached by ClinVar (database versions not stated): gnomAD exomes 0.00001.
gnomAD v4.1: 19 of 1,613,818 alleles (0.0012%); highest among the groups gnomAD compares: Non-Finnish European, 0.0016%; no homozygotes.

Submissions (2):

Ambry Genetics
Classification: Uncertain significance for Cardiovascular phenotype. Last evaluated: 2024-02-12. Review status: criteria provided, single submitter. Criteria: Ambry Variant Classification Scheme 2023. Collection method: clinical testing. Allele origin: germline.
Comment: The p.G950D variant (also known as c.2849G>A), located in coding exon 26 of the ANK2 gene, results from a G to A substitution at nucleotide position 2849. The glycine at codon 950 is replaced by aspartic acid, an amino acid with similar properties. This amino acid position is well conserved in available vertebrate species. In addition, this alteration is predicted to be deleterious by in silico analysis. Based on its frequency in gnomAD, this variant is unlikely to be causative of ANK2-related arrhythmia; however, its clinical significance for ANK2-related neurodevelopmental disorder is unclear.

Labcorp Genetics (formerly Invitae), Labcorp
Classification: Uncertain significance for Long QT syndrome. Last evaluated: 2022-11-28. Review status: criteria provided, single submitter. Criteria: Invitae Variant Classification Sherloc (09022015). Collection method: clinical testing. Allele origin: germline.
Comment: This sequence change replaces glycine, which is neutral and non-polar, with aspartic acid, which is acidic and polar, at codon 950 of the ANK2 protein (p.Gly950Asp). This variant is present in population databases (no rsID available, gnomAD 0.0009%). This variant has not been reported in the literature in individuals affected with ANK2-related conditions. ClinVar contains an entry for this variant (Variation ID: 665190). Advanced modeling of protein sequence and biophysical properties (such as structural, functional, and spatial information, amino acid conservation, physicochemical variation, residue mobility, and thermodynamic stability) performed at Invitae indicates that this missense variant is not expected to disrupt ANK2 protein function. In summary, the available evidence is currently insufficient to determine the role of this variant in disease. Therefore, it has been classified as a Variant of Uncertain Significance.